The following is an entry in ClinVar:

NM_001370259.2(MEN1):c.1061G>A (p.Cys354Tyr)

Gene: MEN1 (menin 1; minus strand). Cytogenetic location: 11q13.1.
Variant type: single nucleotide variant.
Coding change: c.1061G>A on transcript NM_001370259.2 (MANE Select); coding-DNA position 1061, G replaced by A.
Protein change: p.Cys354Tyr; replaces cysteine 354 with tyrosine.
Molecular consequence: missense variant.
Genome position (GRCh38, 1-based): chr11:64,805,759, C>T on the plus strand (G>A on the coding strand, the complement: MEN1 is on the minus strand). VCF-style: chr11-64805759-C-T. GRCh37 (hg19) VCF-style: chr11-64573231-C-T.
Other names: c.1076G>A, p.Cys359Tyr (NM_000244.4, NM_130800.3, NM_130801.3 and 3 more transcripts); c.1187G>A, p.Cys396Tyr (NM_001370251.2); c.1061G>A, p.Cys354Tyr (NM_001370260.2, NM_001370261.2, NM_130799.3); c.956G>A, p.Cys319Tyr (NM_001370262.2, NM_001370263.2); short protein forms C359Y, C354Y, C319Y, C396Y.
Identifiers: ClinVar variation 457278 (VCV000457278.12), dbSNP rs904261642, ClinGen allele CA381182936.

ClinVar aggregate classification (germline): Conflicting classifications of pathogenicity. Review status: criteria provided, conflicting classifications (1 of 4 stars). 3 submissions from 3 submitters: Uncertain significance (1); Likely benign (2). Last evaluated 2025-08-15.

Conditions:
Hereditary cancer-predisposing syndrome. Also called: Hereditary Cancer Syndrome; Hereditary neoplastic syndrome; Tumor predisposition; Neoplastic Syndromes, Hereditary. Identifiers: Orphanet 140162, MedGen C0027672, MeSH D009386, MONDO:0015356.
Multiple endocrine neoplasia, type 1 (MEN1). Also called: MEN I; WERMER SYNDROME; Endocrine adenomatosis multiple; MEN 1; MEA I. Identifiers: Orphanet 652, MedGen C0025267, MeSH D018761, MONDO:0007540, OMIM 131100.

Allele frequency attached by ClinVar (database versions not stated): TOPMed 0.00001.
gnomAD v4.1: 1 of 1,612,662 alleles (0.000062%); highest among the groups gnomAD compares: Non-Finnish European, 0.000085%; no homozygotes.

Submissions (3):

Ambry Genetics
Classification: Likely benign for Hereditary cancer-predisposing syndrome. Last evaluated: 2025-08-15. Review status: criteria provided, single submitter. Criteria: Ambry Variant Classification Scheme 2023. Collection method: clinical testing. Allele origin: germline.

Labcorp Genetics (formerly Invitae), Labcorp
Classification: Likely benign for Multiple endocrine neoplasia, type 1. Last evaluated: 2025-05-05. Review status: criteria provided, single submitter. Criteria: Invitae Variant Classification Sherloc (09022015). Collection method: clinical testing. Allele origin: germline.

Color Diagnostics, LLC DBA Color Health
Classification: Uncertain significance for Multiple endocrine neoplasia, type 1. Last evaluated: 2023-08-02. Review status: criteria provided, single submitter. Criteria: ACMG Guidelines, 2015. Collection method: clinical testing. Allele origin: germline.
Comment: This missense variant replaces cysteine with tyrosine at codon 354 of the MEN1 protein. Computational prediction is inconclusive regarding the impact of this variant on protein structure and function. To our knowledge, functional studies have not been reported for this variant. This variant has not been reported in individuals affected with MEN1-related disorders in the literature. This variant has not been identified in the general population by the Genome Aggregation Database (gnomAD). The available evidence is insufficient to determine the role of this variant in disease conclusively. Therefore, this variant is classified as a Variant of Uncertain Significance.